The following is an entry in ClinVar:

ClinVar aggregate classification (germline): Conflicting classifications of pathogenicity. Review status: criteria provided, conflicting classifications (1 of 4 stars). 3 submissions from 3 submitters: Uncertain significance (2); Likely benign (1). Last evaluated 2026-06-11.

Conditions:
Inborn genetic diseases. Identifiers: MedGen C0950123, MeSH D030342.

Allele frequency attached by ClinVar (database versions not stated): TOPMed 0.00001; gnomAD exomes 0.00001.
gnomAD v4.1: 6 of 1,613,488 alleles (0.00037%); highest among the groups gnomAD compares: Admixed American, 0.01%; no homozygotes.

Submissions (3):

Women's Health and Genetics/Laboratory Corporation of America, LabCorp
Classification: Uncertain significance. Last evaluated: 2026-06-11. Review status: criteria provided, single submitter. Criteria: LabCorp Variant Classification Summary - May 2015. Collection method: clinical testing. Allele origin: germline.
Comment: Variant summary: CACNA1G c.6453C>A (p.Asp2151Glu) results in a conservative amino acid change in the encoded protein sequence. Algorithms developed to predict the effect of missense changes on protein structure and function are either unavailable or do not agree on the potential impact of this missense change. The variant allele was found at a frequency of 8.1e-06 in 247086 control chromosomes. The available data on variant occurrences in the general population are insufficient to allow any conclusion about variant significance. To our knowledge, no occurrence of c.6453C>A in individuals affected with CACNA1G-related conditions and no experimental evidence demonstrating its impact on protein function have been reported. ClinVar contains an entry for this variant (Variation ID: 2974226). Based on the evidence outlined above, the variant was classified as uncertain significance.

Ambry Genetics
Classification: Uncertain significance for Inborn genetic diseases. Last evaluated: 2025-08-22. Review status: criteria provided, single submitter. Criteria: Ambry Variant Classification Scheme 2023. Collection method: clinical testing. Allele origin: germline.

Labcorp Genetics (formerly Invitae), Labcorp
Classification: Likely benign. Last evaluated: 2024-04-30. Review status: criteria provided, single submitter. Criteria: Invitae Variant Classification Sherloc (09022015). Collection method: clinical testing. Allele origin: germline.

NM_018896.5(CACNA1G):c.6453C>A (p.Asp2151Glu)

Gene: CACNA1G (calcium voltage-gated channel subunit alpha1 G; plus strand). Cytogenetic location: 17q21.33.
Variant type: single nucleotide variant.
Coding change: c.6453C>A on transcript NM_018896.5 (MANE Select); coding-DNA position 6453, C replaced by A.
Protein change: p.Asp2151Glu; replaces aspartic acid 2151 with glutamic acid.
Molecular consequence: missense variant. On other transcripts: non-coding transcript variant (5).
Genome position (GRCh38, 1-based): chr17:50,626,070, C>A. VCF-style: chr17-50626070-C-A. GRCh37 (hg19) VCF-style: chr17-48703431-C-A.
Other names: c.6153C>A, p.Asp2051Glu (NM_001256327.2); c.6099C>A, p.Asp2033Glu (NM_001256328.2); c.6072C>A, p.Asp2024Glu (NM_001256329.2, NM_198376.3, NM_198387.3); c.6039C>A, p.Asp2013Glu (NM_001256330.2); c.6018C>A, p.Asp2006Glu (NM_001256331.2); c.6003C>A, p.Asp2001Glu (NM_001256332.2); c.6174C>A, p.Asp2058Glu (NM_001256333.2, NM_198384.3); c.6141C>A, p.Asp2047Glu (NM_001256334.2, NM_198378.3); and 16 more; short protein forms D2033E, D2065E, D2072E, D2080E, D2088E, D2117E, D2006E, D2013E.
Identifiers: ClinVar variation 2974226 (VCV002974226.5), dbSNP rs1396957653, ClinGen allele CA400236339.